The following is an entry in ClinVar:

ClinVar aggregate classification (germline): Pathogenic (1 of 4 stars; one submission).

Conditions:
Autosomal recessive severe congenital neutropenia due to CSF3R deficiency. Also called: Neutropenia, severe congenital, 7, autosomal recessive. Identifiers: Orphanet 420702, MedGen C4310764, MONDO:0014865, OMIM 617014.

Allele frequency attached by ClinVar (database versions not stated): gnomAD exomes below 0.00001 and 0.00001.
gnomAD v4.1: 3 of 1,614,096 alleles (0.00019%); highest among the groups gnomAD compares: Non-Finnish European, 0.00025%; no homozygotes.

Submission:

Labcorp Genetics (formerly Invitae), Labcorp
Classification: Pathogenic for Autosomal recessive severe congenital neutropenia due to CSF3R deficiency. Last evaluated: 2024-08-12. Review status: criteria provided, single submitter. Criteria: Invitae Variant Classification Sherloc (09022015). Collection method: clinical testing. Allele origin: germline.
Comment: This sequence change creates a premature translational stop signal (p.Gln509*) in the CSF3R gene. It is expected to result in an absent or disrupted protein product. Loss-of-function variants in CSF3R are known to be pathogenic (PMID: 24753537, 26324699). This variant is present in population databases (no rsID available, gnomAD 0.0009%). This variant has not been reported in the literature in individuals affected with CSF3R-related conditions. ClinVar contains an entry for this variant (Variation ID: 1431609). Algorithms developed to predict the effect of sequence changes on RNA splicing suggest that this variant may disrupt the consensus splice site. For these reasons, this variant has been classified as Pathogenic.

Literature cited by the submitters: PubMed 24753537; PubMed 26324699.

NM_000760.4(CSF3R):c.1525C>T (p.Gln509Ter)

Gene: CSF3R (colony stimulating factor 3 receptor; minus strand). Cytogenetic location: 1p34.3.
Variant type: single nucleotide variant.
Coding change: c.1525C>T on transcript NM_000760.4 (MANE Select); coding-DNA position 1525, C replaced by T.
Protein change: p.Gln509Ter; replaces glutamine 509 with a stop codon.
Molecular consequence: nonsense.
Genome position (GRCh38, 1-based): chr1:36,469,207, G>A on the plus strand (C>T on the coding strand, the complement: CSF3R is on the minus strand). VCF-style: chr1-36469207-G-A. GRCh37 (hg19) VCF-style: chr1-36934808-G-A.
Other names: c.1525C>T, p.Gln509Ter (NM_156039.3, NM_172313.3); short protein forms Q509*.
Identifiers: ClinVar variation 1431609 (VCV001431609.6), dbSNP rs1236469336, ClinGen allele CA339419135.